The following is an entry in ClinVar:

ClinVar aggregate classification (germline): Uncertain significance. Review status: criteria provided, multiple submitters, no conflicts (2 of 4 stars). 6 submissions from 6 submitters: Uncertain significance (5). 1 of the submissions does not count toward it. Last evaluated 2025-02-10.

Conditions:
POLG-related disorder. Also called: POLG-related condition; POLG-Related Disorders; POLG-Related Spectrum Disorders. Identifiers: MedGen C4763519.
Progressive external ophthalmoplegia with mitochondrial DNA deletions, autosomal dominant 1 (PEOA1). Also called: Autosomal Dominant Progressive External Ophthalmoplegia (adPEO); PROGRESSIVE EXTERNAL OPHTHALMOPLEGIA, AUTOSOMAL DOMINANT 1. Identifiers: MedGen C1834846, MONDO:0024528, OMIM 157640.
Sensory ataxic neuropathy, dysarthria, and ophthalmoparesis (SANDO). Also called: Sensory ataxic neuropathy-dysarthria-ophthalmoparesis syndrome; Epilepsy, progressive myoclonic, type 5; SENSORY ATAXIC NEUROPATHY WITH MITOCHONDRIAL DNA DELETIONS, AUTOSOMAL RECESSIVE; Ataxia Neuropathy Spectrum (ANS). Identifiers: Orphanet 70595, MedGen C1843851, MONDO:0011835, OMIM 607459.
Progressive sclerosing poliodystrophy (MTDPS4A). Also called: ALPERS PROGRESSIVE INFANTILE POLIODYSTROPHY; NEURONAL DEGENERATION OF CHILDHOOD WITH LIVER DISEASE, PROGRESSIVE; Mitochondrial DNA Depletion Syndrome 4A; Alpers Syndrome; ALPERS DIFFUSE DEGENERATION OF CEREBRAL GRAY MATTER WITH HEPATIC CIRRHOSIS; Alpers-Huttenlocher Syndrome. Identifiers: Orphanet 726, MedGen C0205710, MONDO:0008758, OMIM 203700.
Mitochondrial DNA depletion syndrome 4b. Also called: Mitochondrial Neurogastrointestinal Encephalopathy Disease, POLG-Related; MNGIE, POLG-RELATED. Identifiers: Orphanet 298, MedGen C3150914, MONDO:0013350, OMIM 613662.
Mitochondrial DNA depletion syndrome 1. Also called: Mitochondrial neurogastrointestinal encephalomyopathy syndrome; POLIP SYNDROME; POLYNEUROPATHY, OPHTHALMOPLEGIA, LEUKOENCEPHALOPATHY, AND INTESTINAL PSEUDOOBSTRUCTION; Mitochondrial DNA depletion syndrome 1 (MNGIE type); Mitochondrial Neurogastrointestinal Encephalopathy Disease; MITOCHONDRIAL NEUROGASTROINTESTINAL ENCEPHALOPATHY SYNDROME, TYMP-RELATED. Identifiers: Orphanet 298, MedGen C4551995, MONDO:0011283, OMIM 603041.
Progressive external ophthalmoplegia with mitochondrial DNA deletions, autosomal recessive 1 (PEOB1). Also called: Autosomal Recessive Progressive External Ophthalmoplegia (arPEO); Progressive external ophthalmoplegia, autosomal recessive 1. Identifiers: Orphanet 254886, MedGen C4225153, MONDO:0009783, OMIM 258450.

Allele frequency attached by ClinVar (database versions not stated): TOPMed 0.00002; ExAC 0.00004; gnomAD exomes 0.00006.
gnomAD v4.1: 20 of 1,613,986 alleles (0.0012%); highest among the groups gnomAD compares: Admixed American, 0.033%; no homozygotes.

Submissions (6):

Athena Diagnostics
Classification: Uncertain significance. Last evaluated: 2025-02-10. Review status: criteria provided, single submitter. Criteria: Athena Diagnostics Criteria. Collection method: clinical testing. Allele origin: unknown.
Comment: Available data are insufficient to determine the clinical significance of the variant at this time. The frequency of this variant in the general population is uninformative in assessment of its pathogenicity. Polyphen and MutationTaster predict this amino acid change may be damaging to the protein.

Labcorp Genetics (formerly Invitae), Labcorp
Classification: Uncertain significance for Progressive sclerosing poliodystrophy. Last evaluated: 2024-12-09. Review status: criteria provided, single submitter. Criteria: Invitae Variant Classification Sherloc (09022015). Collection method: clinical testing. Allele origin: germline.
Comment: This sequence change replaces glycine, which is neutral and non-polar, with alanine, which is neutral and non-polar, at codon 366 of the POLG protein (p.Gly366Ala). This variant is present in population databases (rs757315161, gnomAD 0.04%). This variant has not been reported in the literature in individuals affected with POLG-related conditions. ClinVar contains an entry for this variant (Variation ID: 291293). Invitae Evidence Modeling of protein sequence and biophysical properties (such as structural, functional, and spatial information, amino acid conservation, physicochemical variation, residue mobility, and thermodynamic stability) has been performed for this missense variant. However, the output from this modeling did not meet the statistical confidence thresholds required to predict the impact of this variant on POLG protein function. In summary, the available evidence is currently insufficient to determine the role of this variant in disease. Therefore, it has been classified as a Variant of Uncertain Significance.

Fulgent Genetics
Classification: Uncertain significance for Progressive external ophthalmoplegia with mitochondrial DNA deletions, autosomal dominant 1; Progressive sclerosing poliodystrophy; Progressive external ophthalmoplegia with mitochondrial DNA deletions, autosomal recessive 1; Mitochondrial DNA depletion syndrome 1; Sensory ataxic neuropathy, dysarthria, and ophthalmoparesis; Mitochondrial DNA depletion syndrome 4b. Last evaluated: 2021-08-05. Review status: criteria provided, single submitter. Criteria: ACMG Guidelines, 2015. Collection method: clinical testing. Allele origin: unknown.

GeneDx
Classification: Uncertain significance. Last evaluated: 2021-01-18. Review status: criteria provided, single submitter. Criteria: GeneDx Variant Classification Process June 2021. Collection method: clinical testing. Allele origin: germline. Affected: yes.
Comment: In silico analysis, which includes protein predictors and evolutionary conservation, supports a deleterious effect; Has not been previously published as pathogenic or benign to our knowledge

Eurofins Ntd Llc (ga)
Classification: Uncertain significance. Last evaluated: 2016-09-22. Review status: criteria provided, single submitter. Criteria: EGL Classification Definitions 2015. Collection method: clinical testing. Allele origin: germline. Observed: 2 variant alleles, 2 heterozygotes.

PreventionGenetics, part of Exact Sciences
Classification: Uncertain significance for POLG-related condition. Last evaluated: 2024-05-29. Review status: no assertion criteria provided. Collection method: clinical testing. Allele origin: germline. Not counted in ClinVar's aggregate classification.
Comment: The POLG c.1097G>C variant is predicted to result in the amino acid substitution p.Gly366Ala. To our knowledge, this variant has not been reported in the literature. This variant is reported in 0.038% of alleles in individuals of Latino descent in gnomAD. At this time, the clinical significance of this variant is uncertain due to the absence of conclusive functional and genetic evidence.

Literature cited by the submitters: PubMed 31440721 (cited by Athena Diagnostics); PubMed 28480171 (cited by Athena Diagnostics).

NM_002693.3(POLG):c.1097G>C (p.Gly366Ala)

Gene: POLG (DNA polymerase gamma, catalytic subunit; minus strand). Cytogenetic location: 15q26.1.
Variant type: single nucleotide variant.
Coding change: c.1097G>C on transcript NM_002693.3 (MANE Select); coding-DNA position 1097, G replaced by C.
Protein change: p.Gly366Ala; replaces glycine 366 with alanine.
Molecular consequence: missense variant.
Genome position (GRCh38, 1-based): chr15:89,328,758, C>G on the plus strand (G>C on the coding strand, the complement: POLG is on the minus strand). VCF-style: chr15-89328758-C-G. GRCh37 (hg19) VCF-style: chr15-89871989-C-G.
Other names: c.1097G>C, p.Gly366Ala (NM_001126131.2); short protein forms G366A.
Identifiers: ClinVar variation 291293 (VCV000291293.21), dbSNP rs757315161, ClinGen allele CA7724956.